The following is an entry in ClinVar:

NM_001972.4(ELANE):c.38C>A (p.Ala13Asp)

Gene: ELANE (elastase, neutrophil expressed; plus strand). Cytogenetic location: 19p13.3.
Variant type: single nucleotide variant.
Coding change: c.38C>A on transcript NM_001972.4 (MANE Select); coding-DNA position 38, C replaced by A.
Protein change: p.Ala13Asp; replaces alanine 13 with aspartic acid.
Molecular consequence: missense variant.
Genome position (GRCh38, 1-based): chr19:852,366, C>A. VCF-style: chr19-852366-C-A. GRCh37 (hg19) VCF-style: chr19-852366-C-A.
Other names: short protein forms A13D.
Identifiers: ClinVar variation 4618409 (VCV004618409.1).

ClinVar aggregate classification (germline): Uncertain significance (1 of 4 stars; one submission).

Conditions:
Inborn genetic diseases. Identifiers: MedGen C0950123, MeSH D030342.

Submission:

Ambry Genetics
Classification: Uncertain significance for Inborn genetic diseases. Last evaluated: 2025-11-03. Review status: criteria provided, single submitter. Criteria: Ambry Variant Classification Scheme 2023. Collection method: clinical testing. Allele origin: germline.
Comment: The p.A13D variant (also known as c.38C>A), located in coding exon 1 of the ELANE gene, results from a C to A substitution at nucleotide position 38. The alanine at codon 13 is replaced by aspartic acid, an amino acid with dissimilar properties. This amino acid position is conserved. In addition, the in silico prediction for this alteration is inconclusive. Based on the available evidence, the clinical significance of this variant remains unclear.